The following is an entry in ClinVar:

NM_000541.5(SAG):c.1208T>C (p.Val403Ala)

Gene: SAG (S-antigen visual arrestin; plus strand). Cytogenetic location: 2q37.1.
Variant type: single nucleotide variant.
Coding change: c.1208T>C on transcript NM_000541.5 (MANE Select); coding-DNA position 1208, T replaced by C.
Protein change: p.Val403Ala; replaces valine 403 with alanine.
Molecular consequence: missense variant.
Genome position (GRCh38, 1-based): chr2:233,346,902, T>C. VCF-style: chr2-233346902-T-C. GRCh37 (hg19) VCF-style: chr2-234255548-T-C.
Other names: short protein forms V403A.
Identifiers: ClinVar variation 335074 (VCV000335074.17), dbSNP rs1046976, ClinGen allele CA2174722.

ClinVar aggregate classification (germline): Benign. Review status: criteria provided, multiple submitters, no conflicts (2 of 4 stars). 7 submissions from 6 submitters: Benign (7). Last evaluated 2026-02-02.

Conditions:
Retinal dystrophy. Also called: Inherited retinal dystrophy. Identifiers: Orphanet 71862, MedGen C0854723, MeSH D058499, MONDO:0019118, HP:0000556.
Retinitis pigmentosa (RP). Identifiers: Orphanet 791, MedGen C0035334, MeSH D012174, MONDO:0019200, OMIM 268000. Inheritance: Autosomal dominant, autosomal recessive and X linked inheritance.
Oguchi disease. Also called: Oguchi's disease. Identifiers: Orphanet 75382, MedGen C1306122, MONDO:0019152.

Allele frequency attached by ClinVar (database versions not stated): gnomAD exomes 0.08690 and 0.09295; ExAC 0.11211; gnomAD 0.12581 and 0.12771; TOPMed 0.12913; ESP Exome Variant Server 0.13104; 1000 Genomes Project 30x 0.14007; 1000 Genomes Project 0.14018.
gnomAD v4.1: 145,067 of 1,596,666 alleles (9.1%); highest among the groups gnomAD compares: African/African-American, 24%; 7,738 homozygotes.

Submissions (7):

Labcorp Genetics (formerly Invitae), Labcorp
Classification: Benign. Last evaluated: 2026-02-02. Review status: criteria provided, single submitter. Criteria: Invitae Variant Classification Sherloc (09022015). Collection method: clinical testing. Allele origin: germline.

Blueprint Genetics
Classification: Benign. Last evaluated: 2024-11-26. Review status: criteria provided, single submitter. Criteria: ACMG Guidelines, 2015. Collection method: clinical testing. Allele origin: germline.

Dept Of Ophthalmology, Nagoya University
Classification: Benign for Retinal dystrophy. Last evaluated: 2023-10-01. Review status: criteria provided, single submitter. Criteria: Submitter's publication. Collection method: research. Allele origin: germline. Affected: yes.

Illumina Laboratory Services, Illumina
Classification: Benign for Retinitis pigmentosa. Last evaluated: 2018-01-13. Review status: criteria provided, single submitter. Criteria: ICSL Variant Classification Criteria 13 December 2019. Collection method: clinical testing. Allele origin: germline.
Comment: This variant was observed in the ICSL laboratory as part of a predisposition screen in an ostensibly healthy population. It had not been previously curated by ICSL or reported in the Human Gene Mutation Database (HGMD: prior to June 1st, 2018), and was therefore a candidate for classification through an automated scoring system. Utilizing variant allele frequency, disease prevalence and penetrance estimates, and inheritance mode, an automated score was calculated to assess if this variant is too frequent to cause the disease. Based on the score and internal cut-off values, a variant classified as benign is not then subjected to further curation. The score for this variant resulted in a classification of benign for this disease.

Illumina Laboratory Services, Illumina
Classification: Benign for Oguchi disease-1. Last evaluated: 2018-01-13. Review status: criteria provided, single submitter. Criteria: ICSL Variant Classification Criteria 13 December 2019. Collection method: clinical testing. Allele origin: germline.
Comment: the same text as in the submission from Illumina Laboratory Services, Illumina above.

GeneDx
Classification: Benign. Last evaluated: 2015-03-03. Review status: criteria provided, single submitter. Criteria: GeneDx Variant Classification Process June 2021. Collection method: clinical testing. Allele origin: germline. Affected: yes.

Breakthrough Genomics
Classification: Benign. Review status: criteria provided, single submitter. Criteria: ACMG Guidelines, 2015. Collection method: not provided. Allele origin: germline. Inheritance: Autosomal recessive inheritance. Affected: yes.